The following is an entry in ClinVar:

NM_001351169.2(NT5C2):c.445A>G (p.Arg149Gly)

Gene: NT5C2 (5'-nucleotidase, cytosolic II; minus strand). Cytogenetic location: 10q24.33.
Variant type: single nucleotide variant.
Coding change: c.445A>G on transcript NM_001351169.2 (MANE Select); coding-DNA position 445, A replaced by G.
Protein change: p.Arg149Gly; replaces arginine 149 with glycine.
Molecular consequence: missense variant. On other transcripts: 5 prime UTR variant (20), intron variant (2).
Genome position (GRCh38, 1-based): chr10:103,101,271, T>C on the plus strand (A>G on the coding strand, the complement: NT5C2 is on the minus strand). VCF-style: chr10-103101271-T-C. GRCh37 (hg19) VCF-style: chr10-104861028-T-C.
Other names: c.445A>G, p.Arg149Gly (NM_001134373.3, NM_012229.5); c.469A>G, p.Arg157Gly (NM_001351170.2, NM_001351171.2, NM_001351172.2 and 1 more transcripts); c.358A>G, p.Arg120Gly (NM_001351174.1); c.352A>G, p.Arg118Gly (NM_001351175.2); c.-129A>G (NM_001351176.2, NM_001351177.2, NM_001351178.2 and 4 more transcripts); c.-321A>G (NM_001351179.2, NM_001351180.2, NM_001351182.2 and 4 more transcripts); c.-342A>G (NM_001351185.2, NM_001351187.2); c.-214A>G (NM_001351190.2); and 2 more; short protein forms R149G, R120G, R118G, R157G.
Identifiers: ClinVar variation 951474 (VCV000951474.9), dbSNP rs587777174, ClinGen allele CA377976226.
Genomic context (GRCh38, chr10:103,101,271, plus strand): 5'-TAAATAAGCATAGAATGAATCTACCTGGTAGGTTGAATAGTGTGTTCAGAATGTAAAATC[T>C]TTCAGTATCATCTCGCTGGATAAATTTATTTGGATACTGTTCTCTAGTTTCTGGTCTGAA-3'
Protein context (NP_001338098.1, residues 139-159): NKFIQRDDTE[Arg149Gly]FYILNTLFNL

ClinVar aggregate classification (germline): Uncertain significance (1 of 4 stars; one submission).

Conditions:
Hereditary spastic paraplegia 45. Also called: SPASTIC PARAPLEGIA 45; Spastic paraplegia 45, autosomal recessive. Identifiers: Orphanet 320396, MedGen C3888209, MONDO:0013165, OMIM 613162.

Submission:

Labcorp Genetics (formerly Invitae), Labcorp
Classification: Uncertain significance for Hereditary spastic paraplegia 45. Last evaluated: 2020-02-11. Review status: criteria provided, single submitter. Criteria: Invitae Variant Classification Sherloc (09022015). Collection method: clinical testing. Allele origin: germline.
Comment: This variant is not present in population databases (ExAC no frequency). In summary, the available evidence is currently insufficient to determine the role of this variant in disease. Therefore, it has been classified as a Variant of Uncertain Significance. Algorithms developed to predict the effect of missense changes on protein structure and function are either unavailable or do not agree on the potential impact of this missense change (SIFT: "Deleterious"; PolyPhen-2: "Probably Damaging"; Align-GVGD: "Class C0"). This variant has not been reported in the literature in individuals with NT5C2-related conditions. This sequence change replaces arginine with glycine at codon 149 of the NT5C2 protein (p.Arg149Gly). The arginine residue is highly conserved and there is a moderate physicochemical difference between arginine and glycine.